The following is an entry in ClinVar:

NM_001232.4(CASQ2):c.487G>A (p.Asp163Asn)

Gene: CASQ2 (calsequestrin 2; minus strand). Cytogenetic location: 1p13.1.
Variant type: single nucleotide variant.
Coding change: c.487G>A on transcript NM_001232.4 (MANE Select); coding-DNA position 487, G replaced by A.
Protein change: p.Asp163Asn; replaces aspartic acid 163 with asparagine.
Molecular consequence: missense variant.
Genome position (GRCh38, 1-based): chr1:115,738,269, C>T on the plus strand (G>A on the coding strand, the complement: CASQ2 is on the minus strand). VCF-style: chr1-115738269-C-T. GRCh37 (hg19) VCF-style: chr1-116280890-C-T.
Other names: short protein forms D163N.
Identifiers: ClinVar variation 1931978 (VCV001931978.2), dbSNP rs2464921774, ClinGen allele CA341763882.

ClinVar aggregate classification (germline): Uncertain significance (1 of 4 stars; one submission).

Conditions:
Catecholaminergic polymorphic ventricular tachycardia 1. Also called: VENTRICULAR TACHYCARDIA, STRESS-INDUCED POLYMORPHIC 1; VENTRICULAR TACHYCARDIA, CATECHOLAMINERGIC POLYMORPHIC, 1, WITH OR WITHOUT ATRIAL DYSFUNCTION AND/OR DILATED CARDIOMYOPATHY; RYR2-Related Catecholaminergic Polymorphic Ventricular Tachycardia. Identifiers: Orphanet 3286, MedGen C1631597, MONDO:0011484, OMIM 604772.

Submission:

Labcorp Genetics (formerly Invitae), Labcorp
Classification: Uncertain significance for Catecholaminergic polymorphic ventricular tachycardia 1. Last evaluated: 2022-03-04. Review status: criteria provided, single submitter. Criteria: Invitae Variant Classification Sherloc (09022015). Collection method: clinical testing. Allele origin: germline.
Comment: This sequence change replaces aspartic acid, which is acidic and polar, with asparagine, which is neutral and polar, at codon 163 of the CASQ2 protein (p.Asp163Asn). This variant is not present in population databases (gnomAD no frequency). This variant has not been reported in the literature in individuals affected with CASQ2-related conditions. Algorithms developed to predict the effect of missense changes on protein structure and function are either unavailable or do not agree on the potential impact of this missense change (SIFT: "Deleterious"; PolyPhen-2: "Possibly Damaging"; Align-GVGD: "Class C0"). In summary, the available evidence is currently insufficient to determine the role of this variant in disease. Therefore, it has been classified as a Variant of Uncertain Significance.